The following is an entry in ClinVar:

ClinVar aggregate classification (germline): Likely pathogenic (1 of 4 stars; one submission).

Conditions:
Autosomal dominant epilepsy with auditory features. Identifiers: Orphanet 101046, MedGen C1838062, MONDO:0010898.

Submission:

Labcorp Genetics (formerly Invitae), Labcorp
Classification: Likely pathogenic for Autosomal dominant epilepsy with auditory features. Last evaluated: 2020-06-03. Review status: criteria provided, single submitter. Criteria: Invitae Variant Classification Sherloc (09022015). Collection method: clinical testing. Allele origin: germline.
Comment: In summary, the currently available evidence indicates that the variant is pathogenic, but additional data are needed to prove that conclusively. Therefore, this variant has been classified as Likely Pathogenic. This variant results in the deletion of part of exon 6 (c.504-9_505del) of the LGI1 gene. It is expected to disrupt RNA splicing and likely results in an absent or disrupted protein product. This variant is not present in population databases (ExAC no frequency). This variant has not been reported in the literature in individuals with LGI1-related conditions. Algorithms developed to predict the effect of sequence changes on RNA splicing suggest that this variant may disrupt the consensus splice site, but this prediction has not been confirmed by published transcriptional studies. Loss-of-function variants in LGI1 are known to be pathogenic (PMID: 24206907).

Literature cited by the submitters: PubMed 24206907.

NM_005097.4(LGI1):c.504-9_505del

Gene: LGI1 (leucine rich glioma inactivated 1; plus strand). Cytogenetic location: 10q23.33.
Variant type: Deletion.
Coding change: c.504-9_505del on transcript NM_005097.4 (MANE Select); 9 bases into the intron before coding-DNA position 504 through coding-DNA position 505, 11 bases deleted (GTCTTTCAGGG).
Molecular consequence: splice acceptor variant.
Genome position (GRCh38, 1-based): chr10:93,792,734-93,792,744, GTCTTTCAGGG deleted. VCF-style (leftmost placement, unchanged base first): chr10-93792733-TGTCTTTCAGGG-T. GRCh37 (hg19) VCF-style: chr10-95552490-TGTCTTTCAGGG-T.
Other names: c.504-9_505del (NM_001308275.2); c.360-9_361del (NM_001308276.2).
Identifiers: ClinVar variation 1067401 (VCV001067401.8), dbSNP rs2134020777, ClinGen allele CA2499220505.